The following is an entry in ClinVar:

NM_032043.3(BRIP1):c.1474-7C>A

Gene: BRIP1 (BRCA1 interacting DNA helicase 1; minus strand). Cytogenetic location: 17q23.2.
Variant type: single nucleotide variant.
Coding change: c.1474-7C>A on transcript NM_032043.3 (MANE Select); 7 bases into the intron before coding-DNA position 1474, C replaced by A.
Genome position (GRCh38, 1-based): chr17:61,784,431, G>T on the plus strand (C>A on the coding strand, the complement: BRIP1 is on the minus strand). VCF-style: chr17-61784431-G-T. GRCh37 (hg19) VCF-style: chr17-59861792-G-T.
Other names: c.1474-7C>A (LRG_300t1).
Identifiers: ClinVar variation 279709 (VCV000279709.14), dbSNP rs886041146, ClinGen allele CA10603385.

ClinVar aggregate classification (germline): Conflicting classifications of pathogenicity. Review status: criteria provided, conflicting classifications (1 of 4 stars). 4 submissions from 4 submitters: Uncertain significance (3); Likely benign (1). Last evaluated 2024-02-19.

Conditions:
Familial cancer of breast. Also called: hereditary breast carcinoma; BREAST CANCER, FAMILIAL; Hereditary breast cancer. Identifiers: Orphanet 227535, MedGen C0346153, MONDO:0016419, OMIM 114480. Disease mechanism: loss of function.
Hereditary cancer-predisposing syndrome. Also called: Hereditary neoplastic syndrome; Neoplastic Syndromes, Hereditary; Tumor predisposition; Hereditary Cancer Syndrome. Identifiers: Orphanet 140162, MedGen C0027672, MeSH D009386, MONDO:0015356.
Fanconi anemia complementation group J. Also called: BRIP1-Related Fanconi Anemia. Identifiers: Orphanet 84, MedGen C1836860, MONDO:0012187, OMIM 609054.

Submissions (4):

Labcorp Genetics (formerly Invitae), Labcorp
Classification: Likely benign for Familial cancer of breast; Fanconi anemia complementation group J. Last evaluated: 2024-02-19. Review status: criteria provided, single submitter. Criteria: Invitae Variant Classification Sherloc (09022015). Collection method: clinical testing. Allele origin: germline.

Color Diagnostics, LLC DBA Color Health
Classification: Uncertain significance for Hereditary cancer-predisposing syndrome. Last evaluated: 2020-12-11. Review status: criteria provided, single submitter. Criteria: ACMG Guidelines, 2015. Collection method: clinical testing. Allele origin: germline.
Comment: This variant causes a C to A nucleotide substitution at the -7 position of intron 10 of the BRIP1 gene. Splice site prediction tools are inconclusive regarding the impact of this variant on RNA splicing. To our knowledge, this variant has not been reported in individuals affected with hereditary cancer in the literature. This variant has not been identified in the general population by the Genome Aggregation Database (gnomAD). The available evidence is insufficient to determine the role of this variant in disease conclusively. Therefore, this variant is classified as a Variant of Uncertain Significance.

Institute of Human Genetics, University of Leipzig Medical Center
Classification: Uncertain significance for Familial cancer of breast. Last evaluated: 2020-10-23. Review status: criteria provided, single submitter. Criteria: ACMG Guidelines, 2015. Collection method: clinical testing. Allele origin: unknown. Affected: yes.
Comment: Despite weak evidence for its pathogenicity, this variant has to be classified as of unknown significance, according to the ACMG-criteria (Richards et al., 2015)

GeneDx
Classification: Uncertain significance. Last evaluated: 2016-06-22. Review status: criteria provided, single submitter. Criteria: GeneDx Variant Classification (06012015). Collection method: clinical testing. Allele origin: germline. Affected: yes.
Comment: This variant is denoted BRIP1 c.1474-7C>A or IVS10-7C>A and consists of a C>A nucleotide substitution at the -7 position of intron 10 of the BRIP1 gene. This variant has not, to our knowledge, been published in the literature as pathogenic or benign. BRIP1 c.1474-7C>A was not observed in approximately 6,500 individuals of European and African American ancestry in the NHLBI Exome Sequencing Project, suggesting it is not a common benign variant in these populations. The cytosine (C) nucleotide that is altered is not conserved. In silico splicing models are inconsistent regarding the effect this variant may have on gene splicing. Based on currently available evidence, it is unclear whether BRIP1 c.1474-7C>A is a pathogenic or benign variant. We consider it to be a variant of uncertain significance.